The following is an entry in ClinVar:

NM_000463.3(UGT1A1):c.1231G>T (p.Val411Leu)

Genes: UGT1A6 (UDP glucuronosyltransferase family 1 member A6; plus strand), UGT1A7 (UDP glucuronosyltransferase family 1 member A7; plus strand), UGT1A8 (UDP glucuronosyltransferase family 1 member A8; plus strand), UGT1A9 (UDP glucuronosyltransferase family 1 member A9; plus strand), UGT1A5 (UDP glucuronosyltransferase family 1 member A5; plus strand) and 5 more. Cytogenetic location: 2q37.1.
Variant type: single nucleotide variant.
Coding change: c.1231G>T on transcript NM_000463.3 (MANE Select); coding-DNA position 1231, G replaced by T.
Protein change: p.Val411Leu; replaces valine 411 with leucine.
Molecular consequence: missense variant.
Genome position (GRCh38, 1-based): chr2:233,768,366, G>T. VCF-style: chr2-233768366-G-T. GRCh37 (hg19) VCF-style: chr2-234677012-G-T.
Other names: p.Val411Leu; c.1222G>T, p.Val408Leu (NM_019075.4, NM_019076.5, NM_019077.3 and 1 more transcripts); c.1228G>T, p.Val410Leu (NM_001072.4); c.427G>T, p.Val143Leu (NM_205862.3); c.1234G>T, p.Val412Leu (NM_019078.2, NM_007120.3, NM_019093.4); short protein forms V143L, V408L, V410L, V411L, V412L.
Identifiers: ClinVar variation 160230 (VCV000160230.27), dbSNP rs36076514, ClinGen allele CA173822.
Genomic context (GRCh38, chr2:233,768,366, plus strand): 5'-ATGCCCTTGTTTGGTGATCAGATGGACAATGCAAAGCGCATGGAGACTAAGGGAGCTGGA[G>T]TGACCCTGAATGTTCTGGAAATGACTTCTGAAGATTTAGAAAATGCTCTAAAAGCAGTCA-3'
Protein context (NP_000454.1, residues 401-421): AKRMETKGAG[Val411Leu]TLNVLEMTSE

ClinVar aggregate classification (germline): Uncertain significance. Review status: criteria provided, multiple submitters, no conflicts (2 of 4 stars). 6 submissions from 6 submitters: Uncertain significance (5). 1 of the submissions does not count toward it. Last evaluated 2026-01-03.

Conditions:
UGT1A1-related disorder. Also called: UGT1A1-related condition; UGT1A1-related disorders.
Hyperbilirubinemia. Identifiers: MedGen C0311468, MONDO:0024288, HP:0002904.

Allele frequency attached by ClinVar (database versions not stated): gnomAD 0.00005 and 0.00006; TOPMed 0.00010; ExAC 0.00021; gnomAD exomes 0.00025.
gnomAD v4.1: 80 of 1,614,062 alleles (0.005%); highest among the groups gnomAD compares: Admixed American, 0.13%; no homozygotes.

Submissions (6):

Labcorp Genetics (formerly Invitae), Labcorp
Classification: Uncertain significance. Last evaluated: 2026-01-03. Review status: criteria provided, single submitter. Criteria: Invitae Variant Classification Sherloc (09022015). Collection method: clinical testing. Allele origin: germline.
Comment: This sequence change replaces valine, which is neutral and non-polar, with leucine, which is neutral and non-polar, at codon 411 of the UGT1A1 protein (p.Val411Leu). This variant is present in population databases (rs36076514, gnomAD 0.2%). This variant has not been reported in the literature in individuals affected with UGT1A1-related conditions. ClinVar contains an entry for this variant (Variation ID: 160230). Invitae Evidence Modeling of protein sequence and biophysical properties (such as structural, functional, and spatial information, amino acid conservation, physicochemical variation, residue mobility, and thermodynamic stability) indicates that this missense variant is not expected to disrupt UGT1A1 protein function with a negative predictive value of 80%. In summary, the available evidence is currently insufficient to determine the role of this variant in disease. Therefore, it has been classified as a Variant of Uncertain Significance.

Mayo Clinic Laboratories, Mayo Clinic
Classification: Uncertain significance. Last evaluated: 2025-09-26. Review status: criteria provided, single submitter. Criteria: ACMG Guidelines, 2015. Collection method: clinical testing. Allele origin: germline. Observed: 3 variant alleles.
Comment: BP4_moderate

ARUP Laboratories, Molecular Genetics and Genomics, ARUP Laboratories
Classification: Uncertain significance. Last evaluated: 2023-08-25. Review status: criteria provided, single submitter. Criteria: ARUP Molecular Germline Variant Investigation Process 2024. Collection method: clinical testing. Allele origin: germline.
Comment: The UGT1A1 c.1231G>T; p.Val411Leu variant (rs36076514), to our knowledge, is not reported in the medical literature, but is reported in ClinVar (Variation ID: 160230). This variant is found predominantly in the Latino/Admixed American population with an allele frequency of 0.17% (61/35,436 alleles) in the Genome Aggregation Database. The valine at codon 411 is moderately conserved, and computational analyses predict that this variant is tolerated (REVEL: 0.029). Due to limited information, the clinical significance of this variant is uncertain at this time.

Eurofins Ntd Llc (ga)
Classification: Uncertain significance. Last evaluated: 2018-08-30. Review status: criteria provided, single submitter. Criteria: EGL ClinVar v180209 classification definitions. Collection method: clinical testing. Allele origin: germline. Observed: 2 variant alleles, 2 heterozygotes.

Genetic Services Laboratory, University of Chicago
Classification: Uncertain significance for Hyperbilirubinemia. Last evaluated: 2013-03-04. Review status: criteria provided, single submitter. Criteria: ACMG Guidelines, 2007. Collection method: clinical testing. Allele origin: germline. Inheritance: Autosomal recessive inheritance.

PreventionGenetics, part of Exact Sciences
Classification: Likely benign for UGT1A1-related condition. Last evaluated: 2022-11-11. Review status: no assertion criteria provided. Collection method: clinical testing. Allele origin: germline. Not counted in ClinVar's aggregate classification.
Comment: This variant is classified as likely benign based on ACMG/AMP sequence variant interpretation guidelines (Richards et al. 2015 PMID: 25741868, with internal and published modifications).

Literature cited by the submitters: PubMed 23875061 (cited by Mayo Clinic Laboratories, Mayo Clinic).